The following is an entry in ClinVar:

NM_006270.5(RRAS):c.325G>A (p.Ala109Thr)

Gene: RRAS (RAS related; minus strand). Cytogenetic location: 19q13.33.
Variant type: single nucleotide variant.
Coding change: c.325G>A on transcript NM_006270.5 (MANE Select); coding-DNA position 325, G replaced by A.
Protein change: p.Ala109Thr; replaces alanine 109 with threonine.
Molecular consequence: missense variant.
Genome position (GRCh38, 1-based): chr19:49,636,843, C>T on the plus strand (G>A on the coding strand, the complement: RRAS is on the minus strand). VCF-style: chr19-49636843-C-T. GRCh37 (hg19) VCF-style: chr19-50140100-C-T.
Other names: c.325G>A (NM_006270.3); short protein forms A109T.
Identifiers: ClinVar variation 1321403 (VCV001321403.7), dbSNP rs1358894507, ClinGen allele CA406847052.

ClinVar aggregate classification (germline): Uncertain significance. Review status: criteria provided, multiple submitters, no conflicts (2 of 4 stars). 3 submissions from 3 submitters: Uncertain significance (3). Last evaluated 2023-04-22.

Conditions:
Noonan syndrome (NS). Also called: Noonan's syndrome. Identifiers: Orphanet 648, MedGen C0028326, MeSH D009634, MONDO:0018997. Disease mechanism: gain of function.

Allele frequency attached by ClinVar (database versions not stated): gnomAD exomes below 0.00001; gnomAD 0.00001.
gnomAD v4.1: 3 of 1,613,010 alleles (0.00019%); highest among the groups gnomAD compares: African/African-American, 0.0013%; no homozygotes.

Submissions (3):

Ambry Genetics
Classification: Uncertain significance. Last evaluated: 2023-04-22. Review status: criteria provided, single submitter. Criteria: Ambry Variant Classification Scheme 2023. Collection method: clinical testing. Allele origin: germline.
Comment: The p.A109T variant (also known as c.325G>A), located in coding exon 3 of the RRAS gene, results from a G to A substitution at nucleotide position 325. The alanine at codon 109 is replaced by threonine, an amino acid with similar properties. This amino acid position is conserved. In addition, the in silico prediction for this alteration is inconclusive. Since supporting evidence is limited at this time, the clinical significance of this alteration remains unclear.

Labcorp Genetics (formerly Invitae), Labcorp
Classification: Uncertain significance for Noonan syndrome. Last evaluated: 2022-06-14. Review status: criteria provided, single submitter. Criteria: Invitae Variant Classification Sherloc (09022015). Collection method: clinical testing. Allele origin: germline.
Comment: This variant is not present in population databases (gnomAD no frequency). This sequence change replaces alanine, which is neutral and non-polar, with threonine, which is neutral and polar, at codon 109 of the RRAS protein (p.Ala109Thr). In summary, the available evidence is currently insufficient to determine the role of this variant in disease. Therefore, it has been classified as a Variant of Uncertain Significance. Algorithms developed to predict the effect of missense changes on protein structure and function are either unavailable or do not agree on the potential impact of this missense change (SIFT: "Deleterious"; PolyPhen-2: "Probably Damaging"; Align-GVGD: "Class C0"). ClinVar contains an entry for this variant (Variation ID: 1321403). This variant has not been reported in the literature in individuals affected with RRAS-related conditions.

Women's Health and Genetics/Laboratory Corporation of America, LabCorp
Classification: Uncertain significance. Last evaluated: 2021-10-02. Review status: criteria provided, single submitter. Criteria: LabCorp Variant Classification Summary - May 2015. Collection method: clinical testing. Allele origin: germline.